The following is an entry in ClinVar:

ClinVar aggregate classification (germline): Uncertain significance. Review status: criteria provided, multiple submitters, no conflicts (2 of 4 stars). 2 submissions from 2 submitters: Uncertain significance (2). Last evaluated 2025-05-24.

Conditions:
Cholestanol storage disease (CTX). Also called: CEREBRAL CHOLESTERINOSIS; CTX: Cerebrotendinous xanthomatosis; Cerebrotendinous Xanthomatosis. Identifiers: Orphanet 909, MedGen C0238052, MONDO:0008948, OMIM 213700.
Cardiovascular phenotype. Identifiers: MedGen CN230736.

Allele frequency attached by ClinVar (database versions not stated): gnomAD exomes below 0.00001; TOPMed 0.00001.
gnomAD v4.1: 3 of 1,614,104 alleles (0.00019%); highest among the groups gnomAD compares: Admixed American, 0.0017%; no homozygotes.

Submissions (2):

Ambry Genetics
Classification: Uncertain significance for Cardiovascular phenotype. Last evaluated: 2025-05-24. Review status: criteria provided, single submitter. Criteria: Ambry Variant Classification Scheme 2023. Collection method: clinical testing. Allele origin: germline.
Comment: The p.Y253C variant (also known as c.758A>G), located in coding exon 4 of the CYP27A1 gene, results from an A to G substitution at nucleotide position 758. The tyrosine at codon 253 is replaced by cysteine, an amino acid with highly dissimilar properties. This amino acid position is conserved. In addition, this alteration is predicted to be tolerated by in silico analysis. Based on the available evidence, the clinical significance of this variant remains unclear.

Labcorp Genetics (formerly Invitae), Labcorp
Classification: Uncertain significance for Cholestanol storage disease. Last evaluated: 2022-02-19. Review status: criteria provided, single submitter. Criteria: Invitae Variant Classification Sherloc (09022015). Collection method: clinical testing. Allele origin: germline.
Comment: This sequence change replaces tyrosine, which is neutral and polar, with cysteine, which is neutral and slightly polar, at codon 253 of the CYP27A1 protein (p.Tyr253Cys). This variant is present in population databases (no rsID available, gnomAD 0.003%). This variant has not been reported in the literature in individuals affected with CYP27A1-related conditions. Advanced modeling of protein sequence and biophysical properties (such as structural, functional, and spatial information, amino acid conservation, physicochemical variation, residue mobility, and thermodynamic stability) performed at Invitae indicates that this missense variant is not expected to disrupt CYP27A1 protein function. In summary, the available evidence is currently insufficient to determine the role of this variant in disease. Therefore, it has been classified as a Variant of Uncertain Significance.

NM_000784.4(CYP27A1):c.758A>G (p.Tyr253Cys)

Gene: CYP27A1 (cytochrome P450 family 27 subfamily A member 1; plus strand). Cytogenetic location: 2q35.
Variant type: single nucleotide variant.
Coding change: c.758A>G on transcript NM_000784.4 (MANE Select); coding-DNA position 758, A replaced by G.
Protein change: p.Tyr253Cys; replaces tyrosine 253 with cysteine.
Molecular consequence: missense variant.
Genome position (GRCh38, 1-based): chr2:218,812,663, A>G. VCF-style: chr2-218812663-A-G. GRCh37 (hg19) VCF-style: chr2-219677386-A-G.
Other names: c.758A>G (NM_000784.3); short protein forms Y253C.
Identifiers: ClinVar variation 1983532 (VCV001983532.2), dbSNP rs1424980745, ClinGen allele CA350586916.